The following is an entry in ClinVar:

NM_001378615.1(CC2D2A):c.1561G>C (p.Glu521Gln)

Genes: CC2D2A (coiled-coil and C2 domain containing 2A; plus strand), FBXL5 (F-box and leucine rich repeat protein 5; minus strand). Cytogenetic location: 4p15.32.
Variant type: single nucleotide variant.
Coding change: c.1561G>C on transcript NM_001378615.1 (MANE Select); coding-DNA position 1561, G replaced by C.
Protein change: p.Glu521Gln; replaces glutamic acid 521 with glutamine.
Molecular consequence: missense variant.
Genome position (GRCh38, 1-based): chr4:15,533,287, G>C. VCF-style: chr4-15533287-G-C. GRCh37 (hg19) VCF-style: chr4-15534910-G-C.
Other names: c.1561G>C, p.Glu521Gln (NM_001080522.2); c.1414G>C, p.Glu472Gln (NM_001378617.1); short protein forms E472Q, E521Q.
Identifiers: ClinVar variation 1042036 (VCV001042036.10), dbSNP rs756638247, ClinGen allele CA356411035.
Genomic context (GRCh38, chr4:15,533,287, plus strand): 5'-AAAGATAGAACATTGCTTAAGACTATCATAAAAGTTTGGAAAGAGATGAAATCCCTTCGA[G>C]AGTTCCAGAGATTTACAAATACTCCCTTGAAACTTGTTTTGAGAAAGTAGGCTTTTTTGA-3'
Protein context (NP_001365544.1, residues 511-531): KVWKEMKSLR[Glu521Gln]FQRFTNTPLK

ClinVar aggregate classification (germline): Uncertain significance. Review status: criteria provided, multiple submitters, no conflicts (2 of 4 stars). 2 submissions from 2 submitters: Uncertain significance (2). Last evaluated 2025-08-21.

Conditions:
Joubert syndrome. Also called: JOUBERT-BOLTSHAUSER SYNDROME; Familial aplasia of the vermis. Identifiers: Orphanet 475, MedGen C5979921, MONDO:0018772.
Meckel-Gruber syndrome. Also called: Dysencephalia splachnocystica; DYSENCEPHALIA SPLANCHNOCYSTICA; GRUBER SYNDROME. Identifiers: Orphanet 564, MedGen C0265215, MONDO:0018921.
CC2D2A-related disorder. Also called: CC2D2A-related condition; CC2D2A-related disorders. Identifiers: MedGen CN239313.

gnomAD v4.1: 4 of 1,592,876 alleles (0.00025%); highest among the groups gnomAD compares: African/African-American, 0.0027%; no homozygotes.

Submissions (2):

Labcorp Genetics (formerly Invitae), Labcorp
Classification: Uncertain significance for Joubert syndrome; Meckel-Gruber syndrome. Last evaluated: 2025-08-21. Review status: criteria provided, single submitter. Criteria: Invitae Variant Classification Sherloc (09022015). Collection method: clinical testing. Allele origin: germline.
Comment: This sequence change replaces glutamic acid, which is acidic and polar, with glutamine, which is neutral and polar, at codon 521 of the CC2D2A protein (p.Glu521Gln). This variant is not present in population databases (gnomAD no frequency). This variant has not been reported in the literature in individuals affected with CC2D2A-related conditions. ClinVar contains an entry for this variant (Variation ID: 1042036). Invitae Evidence Modeling of protein sequence and biophysical properties (such as structural, functional, and spatial information, amino acid conservation, physicochemical variation, residue mobility, and thermodynamic stability) indicates that this missense variant is not expected to disrupt CC2D2A protein function with a negative predictive value of 95%. In summary, the available evidence is currently insufficient to determine the role of this variant in disease. Therefore, it has been classified as a Variant of Uncertain Significance.

PreventionGenetics, part of Exact Sciences
Classification: Uncertain significance for CC2D2A-related condition. Last evaluated: 2024-12-31. Review status: criteria provided, single submitter. Criteria: ACMG Guidelines, 2015. Collection method: clinical testing. Allele origin: germline.
Comment: The CC2D2A c.1561G>C variant is predicted to result in the amino acid substitution p.Glu521Gln. To our knowledge, this variant has not been reported in the literature or in a large population database (gnomAD), indicating this variant is rare. At this time, the clinical significance of this variant is uncertain due to the absence of conclusive functional and genetic evidence.